The following is an entry in ClinVar:

NM_024928.5(STN1):c.692T>C (p.Met231Thr)

Gene: STN1 (STN1 subunit of CST complex; minus strand). Cytogenetic location: 10q24.33.
Variant type: single nucleotide variant.
Coding change: c.692T>C on transcript NM_024928.5 (MANE Select); coding-DNA position 692, T replaced by C.
Protein change: p.Met231Thr; replaces methionine 231 with threonine.
Molecular consequence: missense variant.
Genome position (GRCh38, 1-based): chr10:103,897,609, A>G on the plus strand (T>C on the coding strand, the complement: STN1 is on the minus strand). VCF-style: chr10-103897609-A-G. GRCh37 (hg19) VCF-style: chr10-105657367-A-G.
Other names: short protein forms M231T.
Identifiers: ClinVar variation 1363148 (VCV001363148.8), dbSNP rs749332166, ClinGen allele CA5676541.

ClinVar aggregate classification (germline): Uncertain significance (1 of 4 stars; one submission).

Allele frequency attached by ClinVar (database versions not stated): gnomAD exomes below 0.00001 and 0.00001; ExAC 0.00001.
gnomAD v4.1: 2 of 1,614,118 alleles (0.00012%); highest among the groups gnomAD compares: South Asian, 0.0022%; no homozygotes.

Submission:

Labcorp Genetics (formerly Invitae), Labcorp
Classification: Uncertain significance. Last evaluated: 2025-05-27. Review status: criteria provided, single submitter. Criteria: Invitae Variant Classification Sherloc (09022015). Collection method: clinical testing. Allele origin: germline.
Comment: This sequence change replaces methionine, which is neutral and non-polar, with threonine, which is neutral and polar, at codon 231 of the STN1 protein (p.Met231Thr). This variant is present in population databases (rs749332166, gnomAD 0.006%). This variant has not been reported in the literature in individuals affected with STN1-related conditions. ClinVar contains an entry for this variant (Variation ID: 1363148). Invitae Evidence Modeling of protein sequence and biophysical properties (such as structural, functional, and spatial information, amino acid conservation, physicochemical variation, residue mobility, and thermodynamic stability) indicates that this missense variant is not expected to disrupt STN1 protein function with a negative predictive value of 80%. In summary, the available evidence is currently insufficient to determine the role of this variant in disease. Therefore, it has been classified as a Variant of Uncertain Significance.